The following is an entry in ClinVar:

NM_014003.4(DHX38):c.3235C>T (p.His1079Tyr)

Genes: DHX38 (DEAH-box helicase 38; plus strand), LOC126862391 (CDK7 strongly-dependent group 2 enhancer GRCh37_chr16:72141414-72142613; plus strand). Cytogenetic location: 16q22.2.
Variant type: single nucleotide variant.
Coding change: c.3235C>T on transcript NM_014003.4 (MANE Select); coding-DNA position 3235, C replaced by T.
Protein change: p.His1079Tyr; replaces histidine 1079 with tyrosine.
Molecular consequence: missense variant.
Genome position (GRCh38, 1-based): chr16:72,108,587, C>T. VCF-style: chr16-72108587-C-T. GRCh37 (hg19) VCF-style: chr16-72142486-C-T.
Other names: short protein forms H1079Y.
Identifiers: ClinVar variation 1003849 (VCV001003849.7), dbSNP rs781735500, ClinGen allele CA8160911.

ClinVar aggregate classification (germline): Uncertain significance (1 of 4 stars; one submission).

Allele frequency attached by ClinVar (database versions not stated): gnomAD exomes below 0.00001; ExAC 0.00001.
gnomAD v4.1: 2 of 1,614,002 alleles (0.00012%); highest among the groups gnomAD compares: South Asian, 0.0022%; no homozygotes.

Submission:

Labcorp Genetics (formerly Invitae), Labcorp
Classification: Uncertain significance. Last evaluated: 2025-11-03. Review status: criteria provided, single submitter. Criteria: Invitae Variant Classification Sherloc (09022015). Collection method: clinical testing. Allele origin: germline.
Comment: This sequence change replaces histidine, which is basic and polar, with tyrosine, which is neutral and polar, at codon 1079 of the DHX38 protein (p.His1079Tyr). The frequency data for this variant in the population databases is considered unreliable, as metrics indicate poor data quality at this position in the gnomAD database. This variant has not been reported in the literature in individuals affected with DHX38-related conditions. ClinVar contains an entry for this variant (Variation ID: 1003849). Invitae Evidence Modeling of protein sequence and biophysical properties (such as structural, functional, and spatial information, amino acid conservation, physicochemical variation, residue mobility, and thermodynamic stability) indicates that this missense variant is not expected to disrupt DHX38 protein function with a negative predictive value of 80%. In summary, the available evidence is currently insufficient to determine the role of this variant in disease. Therefore, it has been classified as a Variant of Uncertain Significance.